The following is an entry in ClinVar:

ClinVar aggregate classification (germline): Likely benign (1 of 4 stars; one submission).

gnomAD v4.1: 3,483 of 1,613,606 alleles (0.22%); highest among the groups gnomAD compares: Non-Finnish European, 0.27%; 5 homozygotes.

Submission:

CeGaT Center for Human Genetics Tuebingen
Classification: Likely benign. Last evaluated: 2026-02-01. Review status: criteria provided, single submitter. Criteria: CeGaT Center For Human Genetics Tuebingen Variant Classification Criteria Version 2. Collection method: clinical testing. Allele origin: germline. Affected: yes. Observed: 1 variant allele.
Comment: INTS4: BP4, BP7

NM_033547.4(INTS4):c.2475C>T (p.Ile825=)

Genes: AAMDC (adipogenesis associated Mth938 domain containing; plus strand), INTS4 (integrator complex subunit 4; minus strand). Cytogenetic location: 11q14.1.
Variant type: single nucleotide variant.
Coding change: c.2475C>T on transcript NM_033547.4 (MANE Select); coding-DNA position 2475, C replaced by T.
Protein change: p.Ile825=; no amino-acid change (isoleucine 825 retained).
Molecular consequence: synonymous variant. On other transcripts: intron variant (4).
Genome position (GRCh38, 1-based): chr11:77,891,436, G>A on the plus strand (C>T on the coding strand, the complement: INTS4 is on the minus strand). VCF-style: chr11-77891436-G-A. GRCh37 (hg19) VCF-style: chr11-77602482-G-A.
Other names: c.384-9135G>A (NM_001316958.3, NM_001392034.1); c.329-9135G>A (NM_001316957.3); c.229-9135G>A (NM_001392068.1).
Identifiers: ClinVar variation 4820813 (VCV004820813.4).